The following is an entry in ClinVar:

NM_182916.3(TRNT1):c.581A>G (p.Asp194Gly)

Gene: TRNT1 (tRNA nucleotidyl transferase 1; plus strand). Cytogenetic location: 3p26.2.
Variant type: single nucleotide variant.
Coding change: c.581A>G on transcript NM_182916.3 (MANE Select); coding-DNA position 581, A replaced by G.
Protein change: p.Asp194Gly; replaces aspartic acid 194 with glycine.
Molecular consequence: missense variant. On other transcripts: non-coding transcript variant (8).
Genome position (GRCh38, 1-based): chr3:3,144,683, A>G. VCF-style: chr3-3144683-A-G. GRCh37 (hg19) VCF-style: chr3-3186367-A-G.
Other names: c.581A>G, p.Asp194Gly (NM_001302946.2, NM_001367321.1, NM_001367322.1 and 1 more transcripts); short protein forms D194G.
Identifiers: ClinVar variation 1061932 (VCV001061932.5), dbSNP rs754316396, ClinGen allele CA2228717.

ClinVar aggregate classification (germline): Uncertain significance (1 of 4 stars; one submission).

Conditions:
Congenital sideroblastic anemia-B-cell immunodeficiency-periodic fever-developmental delay syndrome. Also called: Sideroblastic anemia with B-cell immunodeficiency, periodic fevers, and developmental delay. Identifiers: Orphanet 369861, MedGen C4015172, MONDO:0014487, OMIM 616084.

Allele frequency attached by ClinVar (database versions not stated): ExAC 0.00001; TOPMed 0.00001.
gnomAD v4.1: 6 of 1,547,260 alleles (0.00039%); highest among the groups gnomAD compares: Non-Finnish European, 0.00053%; no homozygotes.

Submission:

Labcorp Genetics (formerly Invitae), Labcorp
Classification: Uncertain significance for Congenital sideroblastic anemia-B-cell immunodeficiency-periodic fever-developmental delay syndrome. Last evaluated: 2020-10-19. Review status: criteria provided, single submitter. Criteria: Invitae Variant Classification Sherloc (09022015). Collection method: clinical testing. Allele origin: germline.
Comment: This variant is present in population databases (rs754316396, ExAC 0.002%). In summary, the available evidence is currently insufficient to determine the role of this variant in disease. Therefore, it has been classified as a Variant of Uncertain Significance. Algorithms developed to predict the effect of missense changes on protein structure and function (SIFT, PolyPhen-2, Align-GVGD) all suggest that this variant is likely to be disruptive, but these predictions have not been confirmed by published functional studies and their clinical significance is uncertain. This variant has not been reported in the literature in individuals with TRNT1-related conditions. This sequence change replaces aspartic acid with glycine at codon 194 of the TRNT1 protein (p.Asp194Gly). The aspartic acid residue is highly conserved and there is a moderate physicochemical difference between aspartic acid and glycine.